The following is an entry in ClinVar:

NM_001288705.3(CSF1R):c.2287G>A (p.Ala763Thr)

Gene: CSF1R (colony stimulating factor 1 receptor; minus strand). Cytogenetic location: 5q32.
Variant type: single nucleotide variant.
Coding change: c.2287G>A on transcript NM_001288705.3 (MANE Select); coding-DNA position 2287, G replaced by A.
Protein change: p.Ala763Thr; replaces alanine 763 with threonine.
Molecular consequence: missense variant. On other transcripts: non-coding transcript variant (2).
Genome position (GRCh38, 1-based): chr5:150,057,319, C>T on the plus strand (G>A on the coding strand, the complement: CSF1R is on the minus strand). VCF-style: chr5-150057319-C-T. GRCh37 (hg19) VCF-style: chr5-149436882-C-T.
Other names: c.2287G>A, p.Ala763Thr (NM_001349736.2, NM_001375320.1, NM_005211.4); c.1843G>A, p.Ala615Thr (NM_001375321.1); short protein forms A615T, A763T.
Identifiers: ClinVar variation 3359066 (VCV003359066.2).

ClinVar aggregate classification (germline): Likely pathogenic (1 of 4 stars; one submission).

Conditions:
Leukoencephalopathy, diffuse hereditary, with spheroids 1 (HDLS1). Also called: SUBCORTICAL GLIOSIS OF NEUMANN; DEMENTIA, FAMILIAL, NEUMANN TYPE; CSF1R-related adult-onset leukoencephalopathy with axonal spheroids and pigmented glia. Identifiers: Orphanet 313808, MedGen C5561929, MONDO:0800027, OMIM 221820.

Submission:

Institute of Human Genetics, University of Leipzig Medical Center
Classification: Likely pathogenic for Leukoencephalopathy, diffuse hereditary, with spheroids 1. Last evaluated: 2024-07-15. Review status: criteria provided, single submitter. Criteria: ACMG Guidelines, 2015. Collection method: clinical testing. Allele origin: unknown. Inheritance: Autosomal dominant inheritance. Affected: yes.
Comment: Criteria applied: PM1,PM2,PM5,PS4_SUP,PP3